The following is an entry in ClinVar:

NM_001849.4(COL6A2):c.1113C>T (p.Gly371=)

Gene: COL6A2 (collagen type VI alpha 2 chain; plus strand). Cytogenetic location: 21q22.3.
Variant type: single nucleotide variant.
Coding change: c.1113C>T on transcript NM_001849.4 (MANE Select); coding-DNA position 1113, C replaced by T.
Protein change: p.Gly371=; no amino-acid change (glycine 371 retained).
Molecular consequence: synonymous variant.
Genome position (GRCh38, 1-based): chr21:46,117,933, C>T. VCF-style: chr21-46117933-C-T. GRCh37 (hg19) VCF-style: chr21-47537847-C-T.
Other names: c.1113C>T, p.Gly371= (NM_058175.3, NM_058174.3).
Identifiers: ClinVar variation 5017872 (VCV005017872.1).
Genomic context (GRCh38, chr21:46,117,933, plus strand): 5'-GGGCCCCGACGGTTACCCGGGGGAAGCAGGGAGTCCAGGGGAGCGAGGAGACCAAGGCGG[C>T]AAGGTAAGTGGCCTTGTCAGGGTACGGGGCAGGCGGGGTCACCAGCTTCCAGGGGCCTCC-3'
Protein context (NP_001840.3, residues 361-381): GSPGERGDQG[Gly371=]KGDPGRPGRR

ClinVar aggregate classification (germline): Uncertain significance (1 of 4 stars; one submission).

gnomAD v4.1: 4 of 1,612,280 alleles (0.00025%); highest among the groups gnomAD compares: Non-Finnish European, 0.00034%; no homozygotes.

Submission:

GeneDx
Classification: Uncertain significance. Last evaluated: 2026-03-30. Review status: criteria provided, single submitter. Criteria: GeneDx Variant Classification Process June 2021. Collection method: clinical testing. Allele origin: germline.
Comment: Not observed at significant frequency in large population cohorts (gnomAD); In silico analysis suggests this variant may impact gene splicing. In the absence of RNA/functional studies, the actual effect of this sequence change is unknown.; Has not been previously published as pathogenic or benign to our knowledge